The following is an entry in ClinVar:

ClinVar aggregate classification (germline): Uncertain significance. Review status: criteria provided, multiple submitters, no conflicts (2 of 4 stars). 3 submissions from 3 submitters: Uncertain significance (3). Last evaluated 2025-04-28.

Conditions:
Hypertrophic cardiomyopathy. Also called: HYPERTROPHIC MYOCARDIOPATHY. Identifiers: Orphanet 217569, MedGen C0007194, MeSH D002312, MONDO:0005045, HP:0001639.
Cardiovascular phenotype. Identifiers: MedGen CN230736.

Submissions (3):

Labcorp Genetics (formerly Invitae), Labcorp
Classification: Uncertain significance for Hypertrophic cardiomyopathy. Last evaluated: 2025-04-28. Review status: criteria provided, single submitter. Criteria: Invitae Variant Classification Sherloc (09022015). Collection method: clinical testing. Allele origin: germline.
Comment: This sequence change replaces glutamic acid, which is acidic and polar, with glycine, which is neutral and non-polar, at codon 536 of the MYH7 protein (p.Glu536Gly). This variant is not present in population databases (gnomAD no frequency). This variant has not been reported in the literature in individuals affected with MYH7-related conditions. ClinVar contains an entry for this variant (Variation ID: 2496646). Invitae Evidence Modeling of protein sequence and biophysical properties (such as structural, functional, and spatial information, amino acid conservation, physicochemical variation, residue mobility, and thermodynamic stability) indicates that this missense variant is expected to disrupt MYH7 protein function with a positive predictive value of 95%. In summary, the available evidence is currently insufficient to determine the role of this variant in disease. Therefore, it has been classified as a Variant of Uncertain Significance.

Ambry Genetics
Classification: Uncertain significance for Cardiovascular phenotype. Last evaluated: 2023-01-20. Review status: criteria provided, single submitter. Criteria: Ambry Variant Classification Scheme 2023. Collection method: clinical testing. Allele origin: germline.
Comment: The p.E536G variant (also known as c.1607A>G), located in coding exon 14 of the MYH7 gene, results from an A to G substitution at nucleotide position 1607. The glutamic acid at codon 536 is replaced by glycine, an amino acid with similar properties. This amino acid position is highly conserved in available vertebrate species. In addition, this alteration is predicted to be deleterious by in silico analysis. Since supporting evidence is limited at this time, the clinical significance of this alteration remains unclear.

Laboratory for Molecular Medicine, Mass General Brigham Personalized Medicine
Classification: Uncertain significance. Last evaluated: 2021-07-28. Review status: criteria provided, single submitter. Criteria: ACMG Guidelines, 2015. Collection method: clinical testing. Allele origin: germline.
Comment: The p.Glu536Gly variant in MYH7 has not been previously reported in individuals with cardiomyopathy or in large population studies. This variant lies in the head region of the protein and missense variants in this region are statistically more likely to be disease-associated (Walsh 2017 PMID 27532257). Computational prediction tools and conservation analyses suggest that this variant may impact the protein, though this information is not predictive enough to determine pathogenicity. In summary, the clinical significance of this variant is uncertain. ACMG/AMP Criteria applied: PM2_Supporting, PP3, PM1.

NM_000257.4(MYH7):c.1607A>G (p.Glu536Gly)

Gene: MYH7 (myosin heavy chain 7; minus strand). Cytogenetic location: 14q11.2.
Variant type: single nucleotide variant.
Coding change: c.1607A>G on transcript NM_000257.4 (MANE Select); coding-DNA position 1607, A replaced by G.
Protein change: p.Glu536Gly; replaces glutamic acid 536 with glycine.
Molecular consequence: missense variant.
Genome position (GRCh38, 1-based): chr14:23,427,866, T>C on the plus strand (A>G on the coding strand, the complement: MYH7 is on the minus strand). VCF-style: chr14-23427866-T-C. GRCh37 (hg19) VCF-style: chr14-23897075-T-C.
Other names: short protein forms E536G.
Identifiers: ClinVar variation 2496646 (VCV002496646.4), dbSNP rs730880877, ClinGen allele CA011040.